The following is an entry in ClinVar:

NM_005228.5(EGFR):c.1519C>T (p.His507Tyr)

Gene: EGFR (epidermal growth factor receptor; plus strand). Cytogenetic location: 7p11.2.
Variant type: single nucleotide variant.
Coding change: c.1519C>T on transcript NM_005228.5 (MANE Select); coding-DNA position 1519, C replaced by T.
Protein change: p.His507Tyr; replaces histidine 507 with tyrosine.
Molecular consequence: missense variant.
Genome position (GRCh38, 1-based): chr7:55,161,519, C>T. VCF-style: chr7-55161519-C-T. GRCh37 (hg19) VCF-style: chr7-55229212-C-T.
Other names: c.1384C>T, p.His462Tyr (NM_001346897.2, NM_001346899.2); c.1519C>T, p.His507Tyr (NM_001346898.2, NM_201282.2, NM_201284.2); c.1360C>T, p.His454Tyr (NM_001346900.2); c.718C>T, p.His240Tyr (NM_001346941.2); short protein forms H240Y, H507Y, H454Y, H462Y.
Identifiers: ClinVar variation 5035748 (VCV005035748.1).
Genomic context (GRCh38, chr7:55,161,519, plus strand): 5'-GCTCTGTCACTGACTGCTGTGACCCACTCTGTCTCCGCAGAGGCCACAGGCCAGGTCTGC[C>T]ATGCCTTGTGCTCCCCCGAGGGCTGCTGGGGCCCGGAGCCCAGGGACTGCGTCTCTTGCC-3'
Protein context (NP_005219.2, residues 497-517): NSCKATGQVC[His507Tyr]ALCSPEGCWG

ClinVar aggregate classification (germline): Uncertain significance (1 of 4 stars; one submission).

Conditions:
Hereditary cancer-predisposing syndrome. Also called: Hereditary Cancer Syndrome; Neoplastic Syndromes, Hereditary; Tumor predisposition; Hereditary neoplastic syndrome. Identifiers: Orphanet 140162, MedGen C0027672, MeSH D009386, MONDO:0015356.

Submission:

Ambry Genetics
Classification: Uncertain significance for Hereditary cancer-predisposing syndrome. Last evaluated: 2026-06-25. Review status: criteria provided, single submitter. Criteria: Ambry Variant Classification Scheme 2023. Collection method: clinical testing. Allele origin: germline.
Comment: The p.H507Y variant (also known as c.1519C>T), located in coding exon 13 of the EGFR gene, results from a C to T substitution at nucleotide position 1519. The histidine at codon 507 is replaced by tyrosine, an amino acid with similar properties. This amino acid position is conserved. In addition, this alteration is predicted to be tolerated by in silico analysis. Based on the available evidence, the clinical significance of this variant remains unclear.